The following is an entry in ClinVar:

NM_001174147.2(LMX1B):c.411C>A (p.His137Gln)

Gene: LMX1B (LIM homeobox transcription factor 1 beta; plus strand). Cytogenetic location: 9q33.3.
Variant type: single nucleotide variant.
Coding change: c.411C>A on transcript NM_001174147.2 (MANE Select); coding-DNA position 411, C replaced by A.
Protein change: p.His137Gln; replaces histidine 137 with glutamine.
Molecular consequence: missense variant.
Genome position (GRCh38, 1-based): chr9:126,690,920, C>A. VCF-style: chr9-126690920-C-A. GRCh37 (hg19) VCF-style: chr9-129453199-C-A.
Other names: c.411C>A, p.His137Gln (NM_001174146.2, NM_002316.4); short protein forms H137Q.
Identifiers: ClinVar variation 4082344 (VCV004082344.2).

ClinVar aggregate classification (germline): Pathogenic (1 of 4 stars; one submission).

Conditions:
Nail-patella syndrome (NPS). Also called: FONG DISEASE; ONYCHOOSTEODYSPLASIA; TURNER-KIESER SYNDROME. Identifiers: Orphanet 2614, MedGen C0027341, MONDO:0008061, OMIM 161200.

Submission:

Institute of Human Genetics, University of Leipzig Medical Center
Classification: Pathogenic for Nail-patella syndrome. Last evaluated: 2026-01-20. Review status: criteria provided, single submitter. Criteria: ACMG Guidelines, 2015. Collection method: clinical testing. Allele origin: de novo. Inheritance: Autosomal dominant inheritance. Affected: yes.
Comment: Criteria applied: PP4_STR,PM2,PM5,PS4_SUP,PP2,PP3,PS2_MOD